The following is an entry in ClinVar:

ClinVar aggregate classification (germline): Uncertain significance (1 of 4 stars; one submission).

Submission:

GeneDx
Classification: Uncertain significance. Last evaluated: 2023-10-26. Review status: criteria provided, single submitter. Criteria: GeneDx Variant Classification Process June 2021. Collection method: clinical testing. Allele origin: germline.
Comment: Not observed at significant frequency in large population cohorts (gnomAD); In silico analysis supports that this missense variant has a deleterious effect on protein structure/function; Has not been previously published as pathogenic or benign to our knowledge

NM_001349253.2(SCN11A):c.503G>A (p.Gly168Glu)

Gene: SCN11A (sodium voltage-gated channel alpha subunit 11; minus strand). Cytogenetic location: 3p22.2.
Variant type: single nucleotide variant.
Coding change: c.503G>A on transcript NM_001349253.2 (MANE Select); coding-DNA position 503, G replaced by A.
Protein change: p.Gly168Glu; replaces glycine 168 with glutamic acid.
Molecular consequence: missense variant.
Genome position (GRCh38, 1-based): chr3:38,926,917, C>T on the plus strand (G>A on the coding strand, the complement: SCN11A is on the minus strand). VCF-style: chr3-38926917-C-T. GRCh37 (hg19) VCF-style: chr3-38968408-C-T.
Other names: c.503G>A, p.Gly168Glu (NM_014139.3); short protein forms G168E.
Identifiers: ClinVar variation 2504776 (VCV002504776.2), dbSNP rs2066151840, ClinGen allele CA352173970.
Genomic context (GRCh38, chr3:38,926,917, plus strand): 5'-AACTCATCCAGAATGAAACCTCTTGCCAATATTTTAATCAAAGCTTCAAAAATATAAATC[C>T]CAGTGAAGACACACCTAAAAAGCAAATCATTTACAACAGGAAGAAACATGATAAACAATG-3'
Protein context (NP_001336182.1, residues 158-178): NTDIAECVFT[Gly168Glu]IYIFEALIKI